The following is an entry in ClinVar:

ClinVar aggregate classification (germline): Uncertain significance (1 of 4 stars; one submission).

Submission:

Labcorp Genetics (formerly Invitae), Labcorp
Classification: Uncertain significance. Last evaluated: 2025-11-02. Review status: criteria provided, single submitter. Criteria: Invitae Variant Classification Sherloc (09022015). Collection method: clinical testing. Allele origin: germline.
Comment: This sequence change replaces glutamic acid, which is acidic and polar, with lysine, which is basic and polar, at codon 1459 of the POLE protein (p.Glu1459Lys). This variant is not present in population databases (gnomAD no frequency). This variant has not been reported in the literature in individuals affected with POLE-related conditions. ClinVar contains an entry for this variant (Variation ID: 2722234). Invitae Evidence Modeling of protein sequence and biophysical properties (such as structural, functional, and spatial information, amino acid conservation, physicochemical variation, residue mobility, and thermodynamic stability) indicates that this missense variant is not expected to disrupt POLE protein function with a negative predictive value of 80%. In summary, the available evidence is currently insufficient to determine the role of this variant in disease. Therefore, it has been classified as a Variant of Uncertain Significance.

NM_006231.4(POLE):c.4375G>A (p.Glu1459Lys)

Gene: POLE (DNA polymerase epsilon, catalytic subunit; minus strand). Cytogenetic location: 12q24.33.
Variant type: single nucleotide variant.
Coding change: c.4375G>A on transcript NM_006231.4 (MANE Select); coding-DNA position 4375, G replaced by A.
Protein change: p.Glu1459Lys; replaces glutamic acid 1459 with lysine.
Molecular consequence: missense variant.
Genome position (GRCh38, 1-based): chr12:132,643,476, C>T on the plus strand (G>A on the coding strand, the complement: POLE is on the minus strand). VCF-style: chr12-132643476-C-T. GRCh37 (hg19) VCF-style: chr12-133220062-C-T.
Other names: short protein forms E1459K.
Identifiers: ClinVar variation 2722234 (VCV002722234.3), dbSNP rs778238908, ClinGen allele CA387381229.
Genomic context (GRCh38, chr12:132,643,476, plus strand): 5'-GGTAGCTGAACTGGGCCAGAGAGCGCATCTCCAGGTGCTCAAGAGCAAAGGTCTCTGCTT[C>T]CCAGCCTGAAAGGTGCCTCACCAGCTGTTTATTGACCACACACACACAGCCCAGGTGCAC-3'
Protein context (NP_006222.2, residues 1449-1469): KQLVRHLSGW[Glu1459Lys]AETFALEHLE